The following is an entry in ClinVar:

ClinVar aggregate classification (germline): Uncertain significance. Review status: criteria provided, multiple submitters, no conflicts (2 of 4 stars). 2 submissions from 2 submitters: Uncertain significance (2). Last evaluated 2026-05-26.

Conditions:
CLRN1-related disorder. Also called: CLRN1-related condition.

Allele frequency attached by ClinVar (database versions not stated): gnomAD exomes below 0.00001 and 0.00001; gnomAD 0.00001; TOPMed 0.00001.

Submissions (2):

PreventionGenetics, part of Exact Sciences
Classification: Uncertain significance for CLRN1-related condition. Last evaluated: 2026-05-26. Review status: criteria provided, single submitter. Criteria: ACMG Guidelines, 2015. Collection method: clinical testing. Allele origin: germline.
Comment: The CLRN1 c.623G>A variant is predicted to result in the amino acid substitution p.Cys208Tyr. To our knowledge, this variant has not been reported in the literature. This variant is reported in 0.0016% of alleles in individuals of European (Non-Finnish) descent in gnomAD. At this time, the clinical significance of this variant is uncertain due to the absence of conclusive functional and genetic evidence.

Labcorp Genetics (formerly Invitae), Labcorp
Classification: Uncertain significance. Last evaluated: 2022-06-13. Review status: criteria provided, single submitter. Criteria: Invitae Variant Classification Sherloc (09022015). Collection method: clinical testing. Allele origin: germline.
Comment: This sequence change replaces cysteine, which is neutral and slightly polar, with tyrosine, which is neutral and polar, at codon 195 of the CLRN1 protein (p.Cys195Tyr). This variant is present in population databases (no rsID available, gnomAD 0.002%). This variant has not been reported in the literature in individuals affected with CLRN1-related conditions. Algorithms developed to predict the effect of missense changes on protein structure and function are either unavailable or do not agree on the potential impact of this missense change (SIFT: "Deleterious"; PolyPhen-2: "Probably Damaging"; Align-GVGD: "Class C0"). In summary, the available evidence is currently insufficient to determine the role of this variant in disease. Therefore, it has been classified as a Variant of Uncertain Significance.

NM_174878.3(CLRN1):c.584G>A (p.Cys195Tyr)

Gene: CLRN1 (clarin 1; minus strand). Cytogenetic location: 3q25.1.
Variant type: single nucleotide variant.
Coding change: c.584G>A on transcript NM_174878.3 (MANE Select); coding-DNA position 584, G replaced by A.
Protein change: p.Cys195Tyr; replaces cysteine 195 with tyrosine.
Molecular consequence: missense variant. On other transcripts: 3 prime UTR variant (1), non-coding transcript variant (1), intron variant (1).
Genome position (GRCh38, 1-based): chr3:150,928,051, C>T on the plus strand (G>A on the coding strand, the complement: CLRN1 is on the minus strand). VCF-style: chr3-150928051-C-T. GRCh37 (hg19) VCF-style: chr3-150645838-C-T.
Other names: c.623G>A, p.Cys208Tyr (NM_001195794.1); c.*198G>A (NM_001256819.2); c.342+14G>A (NM_052995.2); short protein forms C208Y, C195Y.
Identifiers: ClinVar variation 1511955 (VCV001511955.6), dbSNP rs911896298, ClinGen allele CA85680817.